The following is an entry in ClinVar:

ClinVar aggregate classification (germline): Uncertain significance (1 of 4 stars; one submission).

Submission:

GeneDx
Classification: Uncertain significance. Last evaluated: 2026-01-23. Review status: criteria provided, single submitter. Criteria: GeneDx Variant Classification Process June 2021. Collection method: clinical testing. Allele origin: germline.
Comment: Not observed at significant frequency in large population cohorts (gnomAD); In silico analysis supports that this missense variant has a deleterious effect on protein structure/function; Has not been previously published as pathogenic or benign to our knowledge

NM_018896.5(CACNA1G):c.5651C>G (p.Ser1884Trp)

Gene: CACNA1G (calcium voltage-gated channel subunit alpha1 G; plus strand). Cytogenetic location: 17q21.33.
Variant type: single nucleotide variant.
Coding change: c.5651C>G on transcript NM_018896.5 (MANE Select); coding-DNA position 5651, C replaced by G.
Protein change: p.Ser1884Trp; replaces serine 1884 with tryptophan.
Molecular consequence: missense variant. On other transcripts: non-coding transcript variant (5).
Genome position (GRCh38, 1-based): chr17:50,618,878, C>G. VCF-style: chr17-50618878-C-G. GRCh37 (hg19) VCF-style: chr17-48696239-C-G.
Other names: c.5597C>G, p.Ser1866Trp (NM_001256324.2, NM_198386.3); c.5672C>G, p.Ser1891Trp (NM_001256325.2); c.5516C>G, p.Ser1839Trp (NM_001256326.2, NM_001256330.2); c.5630C>G, p.Ser1877Trp (NM_001256327.2); c.5576C>G, p.Ser1859Trp (NM_001256328.2); c.5549C>G, p.Ser1850Trp (NM_001256329.2, NM_198376.3, NM_198379.3 and 2 more transcripts); c.5495C>G, p.Ser1832Trp (NM_001256331.2); c.5480C>G, p.Ser1827Trp (NM_001256332.2); and 7 more; short protein forms S1827W, S1832W, S1839W, S1843W, S1846W, S1848W, S1850W, S1857W.
Identifiers: ClinVar variation 4975352 (VCV004975352.1).